The following is an entry in ClinVar:

ClinVar aggregate classification (germline): Likely benign. Review status: criteria provided, multiple submitters, no conflicts (2 of 4 stars). 2 submissions from 2 submitters: Likely benign (2). Last evaluated 2024-10-29.

Conditions:
Oligodontia-cancer predisposition syndrome. Also called: TOOTH AGENESIS-COLORECTAL CANCER SYNDROME. Identifiers: Orphanet 300576, MedGen C1837750, MONDO:0012075, OMIM 608615. Disease mechanism: loss of function.

Submissions (2):

Labcorp Genetics (formerly Invitae), Labcorp
Classification: Likely benign for Oligodontia-cancer predisposition syndrome. Last evaluated: 2024-10-29. Review status: criteria provided, single submitter. Criteria: Invitae Variant Classification Sherloc (09022015). Collection method: clinical testing. Allele origin: germline.

Myriad Genetics, Inc.
Classification: Likely benign for Oligodontia-cancer predisposition syndrome. Last evaluated: 2024-07-08. Review status: criteria provided, single submitter. Criteria: Myriad Autosomal Dominant, Autosomal Recessive and X-Linked Classification Criteria (2023). Collection method: clinical testing. Allele origin: unknown.
Comment: This variant is considered likely benign. This variant is intronic and is not expected to impact mRNA splicing.

NM_004655.4(AXIN2):c.1907+10G>T

Gene: AXIN2 (axin 2; minus strand). Cytogenetic location: 17q24.1.
Variant type: single nucleotide variant.
Coding change: c.1907+10G>T on transcript NM_004655.4 (MANE Select); 10 bases into the intron after coding-DNA position 1907, G replaced by T.
Molecular consequence: intron variant.
Genome position (GRCh38, 1-based): chr17:65,536,859, C>A on the plus strand (G>T on the coding strand, the complement: AXIN2 is on the minus strand). VCF-style: chr17-65536859-C-A. GRCh37 (hg19) VCF-style: chr17-63532977-C-A.
Other names: c.1713-306G>T (NM_001363813.1).
Identifiers: ClinVar variation 2869217 (VCV002869217.4), dbSNP rs749191651, ClinGen allele CA985606346.